The following is an entry in ClinVar:

NM_001330260.2(SCN8A):c.769C>G (p.Leu257Val)

Gene: SCN8A (sodium voltage-gated channel alpha subunit 8; plus strand). Cytogenetic location: 12q13.13.
Variant type: single nucleotide variant.
Coding change: c.769C>G on transcript NM_001330260.2 (MANE Select); coding-DNA position 769, C replaced by G.
Protein change: p.Leu257Val; replaces leucine 257 with valine.
Molecular consequence: missense variant.
Genome position (GRCh38, 1-based): chr12:51,699,632, C>G. VCF-style: chr12-51699632-C-G. GRCh37 (hg19) VCF-style: chr12-52093416-C-G.
Other names: c.769C>G, p.Leu257Val (NM_001177984.3, NM_001369788.1, NM_014191.4); short protein forms L257V.
Identifiers: ClinVar variation 420906 (VCV000420906.2), dbSNP rs1064794782, ClinGen allele CA16619558.

ClinVar aggregate classification (germline): Likely pathogenic (1 of 4 stars; one submission).

Submission:

GeneDx
Classification: Likely pathogenic. Last evaluated: 2016-07-21. Review status: criteria provided, single submitter. Criteria: GeneDx Variant Classification (06012015). Collection method: clinical testing. Allele origin: germline. Affected: yes.
Comment: A variant that is likely pathogenic has been identified in the SCN8A gene. The L257V variant has not been published as a pathogenic variant, nor has it been reported as a benign variant to our knowledge. It was not observed in approximately 6,400 individuals of European and African American ancestry in the NHLBI Exome Sequencing Project, indicating it is not a common benign variant in these populations. This substitution occurs at a conserved position predicted to be within transmembrane segment S5 in the first homologous domain of the SCN8A protein. Additionally, in silico analysis predicts this variant is probably damaging to the protein structure/function. However, the L257V variant is a conservative amino acid substitution, which is not likely to impact secondary protein structure as these residues share similar properties. Additionally, targeted parental test results indicate this variant is assumed de novo. Therefore, we now interpret L257V as a likely pathogenic variant; however, the possibility that it is benign cannot be excluded.